The following is an entry in ClinVar:

ClinVar aggregate classification (germline): Uncertain significance (1 of 4 stars; one submission).

Conditions:
Hereditary spastic paraplegia 72 (SPG72A). Also called: Spastic paraplegia 72, autosomal recessive. Identifiers: Orphanet 401849, MedGen C5882669, MONDO:0014282, OMIM 615625.

Submission:

Labcorp Genetics (formerly Invitae), Labcorp
Classification: Uncertain significance for Hereditary spastic paraplegia 72. Last evaluated: 2022-06-07. Review status: criteria provided, single submitter. Criteria: Invitae Variant Classification Sherloc (09022015). Collection method: clinical testing. Allele origin: germline.
Comment: Algorithms developed to predict the effect of missense changes on protein structure and function (SIFT, PolyPhen-2, Align-GVGD) all suggest that this variant is likely to be tolerated. In summary, the available evidence is currently insufficient to determine the role of this variant in disease. Therefore, it has been classified as a Variant of Uncertain Significance. This variant has not been reported in the literature in individuals affected with REEP2-related conditions. This sequence change replaces proline, which is neutral and non-polar, with serine, which is neutral and polar, at codon 170 of the REEP2 protein (p.Pro170Ser). This variant is not present in population databases (gnomAD no frequency).

NM_001271803.2(REEP2):c.508C>T (p.Pro170Ser)

Gene: REEP2 (receptor accessory protein 2; plus strand). Cytogenetic location: 5q31.2.
Variant type: single nucleotide variant.
Coding change: c.508C>T on transcript NM_001271803.2 (MANE Select); coding-DNA position 508, C replaced by T.
Protein change: p.Pro170Ser; replaces proline 170 with serine.
Molecular consequence: missense variant. On other transcripts: non-coding transcript variant (2).
Genome position (GRCh38, 1-based): chr5:138,445,318, C>T. VCF-style: chr5-138445318-C-T. GRCh37 (hg19) VCF-style: chr5-137781007-C-T.
Other names: c.502C>T, p.Pro168Ser (NM_016606.4); short protein forms P170S, P168S.
Identifiers: ClinVar variation 2003055 (VCV002003055.4), dbSNP rs2480383034, ClinGen allele CA361104403.
Genomic context (GRCh38, chr5:138,445,318, plus strand): 5'-AGCTTCAGCATGCAGGACCTGACCCTGATCCGGGACGAGGACGCACTGCCCCTGCAGAGG[C>T]CTGACGGCCGCCTCCGACCCAGCCCTGGCAGCCTCCTGGACACCATCGAGGACTTAGGTA-3'
Protein context (NP_001258732.1, residues 160-180): RDEDALPLQR[Pro170Ser]DGRLRPSPGS